The following is an entry in ClinVar:

NM_000329.3(RPE65):c.1451G>T (p.Gly484Val)

Gene: RPE65 (retinoid isomerohydrolase RPE65; minus strand). Cytogenetic location: 1p31.3.
Variant type: single nucleotide variant.
Coding change: c.1451G>T on transcript NM_000329.3 (MANE Select); coding-DNA position 1451, G replaced by T.
Protein change: p.Gly484Val; replaces glycine 484 with valine.
Molecular consequence: missense variant.
Genome position (GRCh38, 1-based): chr1:68,429,927, C>A on the plus strand (G>T on the coding strand, the complement: RPE65 is on the minus strand). VCF-style: chr1-68429927-C-A. GRCh37 (hg19) VCF-style: chr1-68895610-C-A.
Other names: NM_000329.3(RPE65):c.1451G>T; p.Gly484Val; short protein forms G484V.
Identifiers: ClinVar variation 813222 (VCV000813222.8), dbSNP rs62653015, ClinGen allele CA902151.

ClinVar aggregate classification (germline): Pathogenic. Review status: reviewed by expert panel (3 of 4 stars). 6 submissions from 6 submitters: Pathogenic (1). 5 of the submissions do not count toward it. Last evaluated 2024-04-22.

Conditions:
RPE65-related recessive retinopathy. Also called: Recessive RPE65 retinopathy. Identifiers: MedGen CN305526, MONDO:0100368.
Leber congenital amaurosis (LCA). Also called: Leber's amaurosis. Identifiers: Orphanet 65, MedGen C0339527, MeSH D057130, MONDO:0018998.
RPE65-related disorder. Also called: RPE65-related condition; RPE65-related disorders. Identifiers: MedGen CN239301.
Retinitis pigmentosa 20 (RP20). Identifiers: Orphanet 791, MedGen C3151086, MONDO:0013425, OMIM 613794.
Leber congenital amaurosis 2 (LCA2). Also called: AMAUROSIS CONGENITA OF LEBER II; Autosomal Recessive RPE65-Related Retinal Degeneration. Identifiers: Orphanet 65, MedGen C1859844, MONDO:0008765, OMIM 204100. Disease mechanism: loss of function.

Allele frequency attached by ClinVar (database versions not stated): TOPMed below 0.00001; gnomAD 0.00001; ESP Exome Variant Server 0.00008.
gnomAD v4.1: 5 of 1,613,522 alleles (0.00031%); highest among the groups gnomAD compares: Non-Finnish European, 0.00025%; no homozygotes.

Submissions (6):

ClinGen Leber Congenital Amaurosis/early Onset Retinal Dystrophy Variant Curation Expert Panel, ClinGen
Classification: Pathogenic for RPE65-related recessive retinopathy. Last evaluated: 2024-04-22. Review status: reviewed by expert panel. Criteria: ClinGen LCAeoRD ACMG Specifications RPE65 V1.0.0. Collection method: curation. Allele origin: germline. Inheritance: Autosomal recessive inheritance.
Comment: NM_000329.3(RPE65):c.1451G>T (p.Gly484Val) is a putative missense variant located in the first nucleotide of exon 14 that is predicted to cause the replacement of glycine with valine at codon 484. The computational predictor REVEL gives a score of 0.991, which is above the ClinGen LCA / eoRD VCEP threshold of ≥0.773 and predicts a damaging effect on RPE65 function. Additionally, the splicing impact predictor SpliceAI gives a score of 0.56, which is above the ClinGen LCA/eoRD VCEP recommended threshold of ≥0.2 and predicts a damaging impact on splicing (PP3_Moderate). Another missense variant at the same nucleotide, NM_000329.3(RPE65):c.1451G>A (p.Gly484Asp), has been classified as likely pathogenic for RPE65-related recessive retinopathy by the ClinGen LCA / eoRD VCEP and has a SpliceAI score of 0.23 for acceptor loss, indicating that both variants are predicted to have a damaging impact on splicing (PMID: 30025081, PMID: 34492281, PS1_Moderate). This variant is present in gnomAD v2.1.1 at a GrpMax allele frequency of 0.000002990, with 2 alleles / 111,040 total alleles in the European (Non-Finnish) population, which is lower than the ClinGen LCA/eoRD VCEP PM2_Supporting threshold of <0.0002 (PM2_Supporting). This variant has been reported in at least 3 unrelated probands with early-onset severe retinal dystrophy who are homozygous for the variant (1 pt, PMID: 33308271, PMID: 32531858, PMID: 33472769). The variant has also been reported in at least 1 proband with early-onset severe retinal dystrophy who was compound heterozygous with the NM_000329.3(RPE65):c.272G>A (p.Arg91Gln) variant confirmed in trans (1 pt, PMID: 38002999), which was previously classified pathogenic or likely pathogenic by the ClinGen LCA / eoRD VCEP (2 total pts, PM3_Strong). The variant has been reported to segregate with childhood-onset severe retinal dystrophy through the proband plus 2 similarly affected relatives, with the variant present in the homozygous state (PMID: 33308271, PP1_Moderate). At least one proband harboring this variant exhibits a phenotype including clinical diagnosis of Leber congenital amaurosis (0.5 pts), symptomatic onset at age 3 months (1 pt), extinguished ERG responses from rods (0.5 pts) and cones, optic nerve pallor (0.5 pts), macular atrophy (0.5 pts), decreased peripheral vision (1 pt), abnormal color vision (1 pt), decreased central visual acuity (1 pt), nystagmus (1 pt), which together are specific for RPE65-related recessive retinopathy (total 7 pts, PMID: 33308271, PP4). In summary, this variant meets the criteria to be classified as pathogenic for RPE65-related recessive retinopathy based on the ACMG/AMP criteria applied, as specified by the ClinGen LCA / eoRD VCEP: PS1_moderate, PM2_supporting, PM3_strong, PP1_moderate, PP3, and PP4. (VCEP specifications version 1.0.0; date of approval 09/21/2023).

Myriad Genetics, Inc.
Classification: Likely pathogenic for RPE65-related recessive retinopathy. Last evaluated: 2026-04-24. Review status: criteria provided, single submitter. Criteria: Myriad Autosomal Dominant, Autosomal Recessive and X-Linked Classification Criteria (2023). Collection method: clinical testing. Allele origin: unknown. Not counted in ClinVar's aggregate classification.
Comment: NM_000329.2(RPE65):c.1451G>T(G484V) is a missense variant classified as likely pathogenic in the context of inherited retinal dystrophy, RPE65-related. G484V has been observed in cases with relevant disease (PMID: 32531858, 33308271, 33749171, 38002999). Relevant functional assessments of this variant are not available in the literature. G484V has been observed in referenced population frequency databases. In summary, NM_000329.2(RPE65):c.1451G>T(G484V) is a missense variant that has been observed more frequently in cases with the relevant disease than in healthy populations. Please note: this variant was assessed in the context of healthy population screening.

Women's Health and Genetics/Laboratory Corporation of America, LabCorp
Classification: Pathogenic for Leber congenital amaurosis. Last evaluated: 2025-05-15. Review status: criteria provided, single submitter. Criteria: LabCorp Variant Classification Summary - May 2015. Collection method: clinical testing. Allele origin: germline. Not counted in ClinVar's aggregate classification.
Comment: Variant summary: RPE65 c.1451G>T (p.Gly484Val) results in a non-conservative amino acid change in the encoded protein sequence. Algorithms developed to predict the effect of missense changes on protein structure and function all suggest that this variant is likely to be disruptive. Several computational tools predict a significant impact on normal splicing: Two predict the variant weakens a 3' acceptor site. One predict the variant no significant impact on splicing. However, these predictions have yet to be confirmed by functional studies. The variant allele was found at a frequency of 1.2e-05 in 248526 control chromosomes. c.1451G>T has been observed in multiple homozytous individuals affected with Leber Congenital Amaurosis (Skorczyk-Werner_2020, Zobor_2023). These data indicate that the variant is very likely to be associated with disease. To our knowledge, no experimental evidence demonstrating an impact on protein function has been reported. The following publications have been ascertained in the context of this evaluation (PMID: 33308271, 37240262). ClinVar contains an entry for this variant (Variation ID: 813222). Based on the evidence outlined above, the variant was classified as pathogenic.

Blueprint Genetics
Classification: Pathogenic for RPE65-related disorders. Last evaluated: 2024-01-16. Review status: criteria provided, single submitter. Criteria: ACMG Guidelines, 2015. Collection method: clinical testing. Allele origin: germline. Affected: yes. Observed: 5 variant alleles. Not counted in ClinVar's aggregate classification.

Labcorp Genetics (formerly Invitae), Labcorp
Classification: Pathogenic for Leber congenital amaurosis 2; Retinitis pigmentosa 20. Last evaluated: 2023-11-06. Review status: criteria provided, single submitter. Criteria: Invitae Variant Classification Sherloc (09022015). Collection method: clinical testing. Allele origin: germline. Not counted in ClinVar's aggregate classification.
Comment: This sequence change replaces glycine, which is neutral and non-polar, with valine, which is neutral and non-polar, at codon 484 of the RPE65 protein (p.Gly484Val). This variant is present in population databases (rs62653015, gnomAD 0.01%). This missense change has been observed in individuals with RPE65-related conditions (PMID: 32531858, 33308271, 37704110). ClinVar contains an entry for this variant (Variation ID: 813222). An algorithm developed to predict the effect of missense changes on protein structure and function (PolyPhen-2) suggests that this variant is likely to be disruptive. Algorithms developed to predict the effect of sequence changes on RNA splicing suggest that this variant may disrupt the consensus splice site. This variant disrupts the p.Gly484 amino acid residue in RPE65. Other variant(s) that disrupt this residue have been determined to be pathogenic (PMID: 20811047, 29332120, 30653986; Invitae). This suggests that this residue is clinically significant, and that variants that disrupt this residue are likely to be disease-causing. For these reasons, this variant has been classified as Pathogenic.

Molecular Genetics Laboratory, Institute for Ophthalmic Research
Classification: Pathogenic for Leber congenital amaurosis. Last evaluated: 2020-01-09. Review status: criteria provided, single submitter. Criteria: ACMG Guidelines, 2015. Collection method: research. Allele origin: germline. Affected: yes. Not counted in ClinVar's aggregate classification.

Literature cited by the submitters: PubMed 32531858 (cited by Myriad Genetics, Inc. and Labcorp Genetics (formerly Invitae), Labcorp); PubMed 33308271 (cited by 3 submitters); PubMed 33749171 (cited by Myriad Genetics, Inc.); PubMed 38002999 (cited by Myriad Genetics, Inc.); PubMed 37240262 (cited by Women's Health and Genetics/Laboratory Corporation of America, LabCorp); PubMed 37704110 (cited by Labcorp Genetics (formerly Invitae), Labcorp); PubMed 20811047 (cited by Labcorp Genetics (formerly Invitae), Labcorp); PubMed 29332120 (cited by Labcorp Genetics (formerly Invitae), Labcorp); PubMed 30653986 (cited by Labcorp Genetics (formerly Invitae), Labcorp).